The following is an entry in ClinVar:

ClinVar aggregate classification (germline): Uncertain significance (1 of 4 stars; one submission).

Allele frequency attached by ClinVar (database versions not stated): gnomAD exomes below 0.00001; ExAC 0.00001.
gnomAD v4.1: 2 of 1,613,260 alleles (0.00012%); highest among the groups gnomAD compares: Non-Finnish European, 0.00017%; no homozygotes.

Submission:

GeneDx
Classification: Uncertain significance. Last evaluated: 2023-04-14. Review status: criteria provided, single submitter. Criteria: GeneDx Variant Classification Process June 2021. Collection method: clinical testing. Allele origin: germline. Affected: yes.
Comment: Not observed at significant frequency in large population cohorts (gnomAD); In silico analysis supports that this missense variant does not alter protein structure/function; Has not been previously published as pathogenic or benign to our knowledge

NM_004100.5(EYA4):c.1015C>G (p.Leu339Val)

Gene: EYA4 (EYA transcriptional coactivator and phosphatase 4; plus strand). Cytogenetic location: 6q23.2.
Variant type: single nucleotide variant.
Coding change: c.1015C>G on transcript NM_004100.5 (MANE Select); coding-DNA position 1015, C replaced by G.
Protein change: p.Leu339Val; replaces leucine 339 with valine.
Molecular consequence: missense variant.
Genome position (GRCh38, 1-based): chr6:133,481,507, C>G. VCF-style: chr6-133481507-C-G. GRCh37 (hg19) VCF-style: chr6-133802645-C-G.
Other names: c.853C>G, p.Leu285Val (NM_001301012.2); c.1033C>G, p.Leu345Val (NM_001301013.2); c.946C>G, p.Leu316Val (NM_001370458.1, NM_172103.4); c.871C>G, p.Leu291Val (NM_001370459.1); c.1015C>G, p.Leu339Val (NM_172105.4); short protein forms L285V, L291V, L316V, L339V, L345V.
Identifiers: ClinVar variation 2499707 (VCV002499707.1), dbSNP rs747932742, ClinGen allele CA4008223.